The following is an entry in ClinVar:

ClinVar aggregate classification (germline): Benign/Likely benign. Review status: criteria provided, multiple submitters, no conflicts (2 of 4 stars). 10 submissions from 10 submitters: Benign (3); Likely benign (7). Last evaluated 2026-06-27.

Conditions:
TSC2-related disorder. Also called: TSC2-related condition; TSC2-Related Disorders.
Hereditary cancer-predisposing syndrome. Also called: Neoplastic Syndromes, Hereditary; Hereditary neoplastic syndrome; Hereditary Cancer Syndrome; Tumor predisposition. Identifiers: Orphanet 140162, MedGen C0027672, MeSH D009386, MONDO:0015356.
Tuberous sclerosis syndrome (TSC). Also called: Tuberous sclerosis; Tuberous Sclerosis Complex. Identifiers: Orphanet 805, MedGen C0041341, MONDO:0001734.
Tuberous sclerosis 2 (TSC2). Identifiers: Orphanet 805, MedGen C1860707, MONDO:0013199, OMIM 613254.

Allele frequency attached by ClinVar (database versions not stated): TOPMed 0.00009; ExAC 0.00001; gnomAD exomes 0.00003; ESP Exome Variant Server 0.00008; gnomAD 0.00008 and 0.00009.
gnomAD v4.1: 130 of 1,611,176 alleles (0.0081%); highest among the groups gnomAD compares: African/African-American, 0.012%; no homozygotes.

Submissions (10):

PreventionGenetics, part of Exact Sciences
Classification: Likely benign for TSC2-related condition. Last evaluated: 2026-06-27. Review status: criteria provided, single submitter. Criteria: ACMG Guidelines, 2015. Collection method: clinical testing. Allele origin: germline.
Comment: This variant is classified as likely benign based on ACMG/AMP sequence variant interpretation guidelines (Richards et al. 2015 PMID: 25741868, with internal and published modifications).

Labcorp Genetics (formerly Invitae), Labcorp
Classification: Benign for Tuberous sclerosis 2. Last evaluated: 2026-01-25. Review status: criteria provided, single submitter. Criteria: Invitae Variant Classification Sherloc (09022015). Collection method: clinical testing. Allele origin: germline.

Myriad Genetics, Inc.
Classification: Benign for Tuberous sclerosis 2. Last evaluated: 2025-06-02. Review status: criteria provided, single submitter. Criteria: Myriad Autosomal Dominant, Autosomal Recessive and X-Linked Classification Criteria (2023). Collection method: clinical testing. Allele origin: unknown.
Comment: This variant is considered benign. This variant is a silent/synonymous amino acid change and it is not expected to impact splicing.

Blueprint Genetics
Classification: Likely benign. Last evaluated: 2024-06-10. Review status: criteria provided, single submitter. Criteria: ACMG Guidelines, 2015. Collection method: clinical testing. Allele origin: germline.

All of Us Research Program, National Institutes of Health
Classification: Likely benign for Tuberous sclerosis syndrome. Last evaluated: 2024-01-11. Review status: criteria provided, single submitter. Criteria: ACMG Guidelines, 2015. Collection method: clinical testing. Allele origin: germline. Inheritance: Autosomal dominant inheritance. Observed: 24 variant alleles, 24 heterozygotes.
Comment: This study involves interpretation of variants in research participants for the purpose of population health screening. Participant phenotype was not available at the time of variant classification. Additional details can be found in publication PMID: 35346344, PMCID: PMC8962531

Color Diagnostics, LLC DBA Color Health
Classification: Likely benign for Tuberous sclerosis syndrome. Last evaluated: 2022-09-30. Review status: criteria provided, single submitter. Criteria: ACMG Guidelines, 2015. Collection method: clinical testing. Allele origin: germline.

Sema4
Classification: Likely benign for Hereditary cancer-predisposing syndrome. Last evaluated: 2022-01-27. Review status: criteria provided, single submitter. Criteria: Sema4 Curation Guidelines. Collection method: curation. Allele origin: germline.

Genome-Nilou Lab
Classification: Benign for Tuberous sclerosis 2. Last evaluated: 2021-11-07. Review status: criteria provided, single submitter. Criteria: ACMG Guidelines, 2015. Collection method: clinical testing. Allele origin: germline. Affected: no.

GeneDx
Classification: Likely benign. Last evaluated: 2020-06-10. Review status: criteria provided, single submitter. Criteria: GeneDx Variant Classification Process June 2021. Collection method: clinical testing. Allele origin: germline. Affected: yes.

Ambry Genetics
Classification: Likely benign for Hereditary cancer-predisposing syndrome. Last evaluated: 2015-06-04. Review status: criteria provided, single submitter. Criteria: Ambry Variant Classification Scheme 2023. Collection method: clinical testing. Allele origin: germline.

NM_000548.5(TSC2):c.3990G>A (p.Thr1330=)

Gene: TSC2 (TSC complex subunit 2; plus strand). Cytogenetic location: 16p13.3.
Variant type: single nucleotide variant.
Coding change: c.3990G>A on transcript NM_000548.5 (MANE Select); coding-DNA position 3990, G replaced by A.
Protein change: p.Thr1330=; no amino-acid change (threonine 1330 retained).
Molecular consequence: synonymous variant.
Genome position (GRCh38, 1-based): chr16:2,083,801, G>A. VCF-style: chr16-2083801-G-A. GRCh37 (hg19) VCF-style: chr16-2133802-G-A.
Other names: c.3990G>A (NM_000548.4); c.3789G>A, p.Thr1263= (NM_001077183.3); c.3921G>A, p.Thr1307= (NM_001114382.3); c.3681G>A, p.Thr1227= (NM_001318827.2); c.3645G>A, p.Thr1215= (NM_001318829.2); c.3258G>A, p.Thr1086= (NM_001318831.2); c.3822G>A, p.Thr1274= (NM_001318832.2); c.3792G>A, p.Thr1264= (NM_001363528.2); and 2 more.
Identifiers: ClinVar variation 238037 (VCV000238037.25), dbSNP rs369943684, ClinGen allele CA049868.